The following is an entry in ClinVar:

ClinVar aggregate classification (germline): Benign/Likely benign. Review status: criteria provided, multiple submitters, no conflicts (2 of 4 stars). 3 submissions from 3 submitters: Benign (1); Likely benign (2). Last evaluated 2026-01-19.

Conditions:
Autosomal recessive congenital ichthyosis 10 (ARCI10). Identifiers: Orphanet 79394, MedGen C3554355, MONDO:0014011, OMIM 615024.

Allele frequency attached by ClinVar (database versions not stated): gnomAD exomes 0.00073; ExAC 0.00077; gnomAD 0.00172 and 0.00184; ESP Exome Variant Server 0.00208; TOPMed 0.00230; 1000 Genomes Project 0.00260; 1000 Genomes Project 30x 0.00297.

Submissions (3):

Labcorp Genetics (formerly Invitae), Labcorp
Classification: Benign. Last evaluated: 2026-01-19. Review status: criteria provided, single submitter. Criteria: Invitae Variant Classification Sherloc (09022015). Collection method: clinical testing. Allele origin: germline.

Illumina Laboratory Services, Illumina
Classification: Likely benign for Autosomal recessive congenital ichthyosis 10. Last evaluated: 2018-01-13. Review status: criteria provided, single submitter. Criteria: ICSL Variant Classification Criteria 13 December 2019. Collection method: clinical testing. Allele origin: germline.
Comment: This variant was observed in the ICSL laboratory as part of a predisposition screen in an ostensibly healthy population. It had not been previously curated by ICSL or reported in the Human Gene Mutation Database (HGMD: prior to June 1st, 2018), and was therefore a candidate for classification through an automated scoring system. Utilizing variant allele frequency, disease prevalence and penetrance estimates, and inheritance mode, an automated score was calculated to assess if this variant is too frequent to cause the disease. Based on the score and internal cut-off values, a variant classified as likely benign is not then subjected to further curation. The score for this variant resulted in a classification of likely benign for this disease.

Breakthrough Genomics
Classification: Likely benign. Review status: criteria provided, single submitter. Criteria: ACMG Guidelines, 2015. Collection method: not provided. Allele origin: germline. Inheritance: Autosomal recessive inheritance. Affected: yes.

NM_001374623.1(PNPLA1):c.537G>A (p.Gln179=)

Gene: PNPLA1 (patatin like domain 1, omega-hydroxyceramide transacylase; plus strand). Cytogenetic location: 6p21.31.
Variant type: single nucleotide variant.
Coding change: c.537G>A on transcript NM_001374623.1 (MANE Select); coding-DNA position 537, G replaced by A.
Protein change: p.Gln179=; no amino-acid change (glutamine 179 retained).
Molecular consequence: synonymous variant.
Genome position (GRCh38, 1-based): chr6:36,294,222, G>A. VCF-style: chr6-36294222-G-A. GRCh37 (hg19) VCF-style: chr6-36261999-G-A.
Other names: c.279G>A, p.Gln93= (NM_001145716.2); c.537G>A, p.Gln179= (NM_001145717.1); c.252G>A, p.Gln84= (NM_173676.2).
Identifiers: ClinVar variation 791144 (VCV000791144.14), dbSNP rs147389149, ClinGen allele CA3777762.